The following is an entry in ClinVar:

ClinVar aggregate classification (germline): Uncertain significance. Review status: criteria provided, multiple submitters, no conflicts (2 of 4 stars). 2 submissions from 2 submitters: Uncertain significance (2). Last evaluated 2025-12-03.

Conditions:
Inborn genetic diseases. Identifiers: MedGen C0950123, MeSH D030342.

gnomAD v4.1: 2 of 1,613,390 alleles (0.00012%); highest among the groups gnomAD compares: African/African-American, 0.0027%; no homozygotes.

Submissions (2):

Ambry Genetics
Classification: Uncertain significance for Inborn genetic diseases. Last evaluated: 2025-12-03. Review status: criteria provided, single submitter. Criteria: Ambry Variant Classification Scheme 2023. Collection method: clinical testing. Allele origin: germline.

Labcorp Genetics (formerly Invitae), Labcorp
Classification: Uncertain significance. Last evaluated: 2025-11-08. Review status: criteria provided, single submitter. Criteria: Invitae Variant Classification Sherloc (09022015). Collection method: clinical testing. Allele origin: germline.
Comment: This sequence change replaces proline, which is neutral and non-polar, with arginine, which is basic and polar, at codon 103 of the NLRP1 protein (p.Pro103Arg). This variant is not present in population databases (gnomAD no frequency). This variant has not been reported in the literature in individuals affected with NLRP1-related conditions. An algorithm developed to predict the effect of missense changes on protein structure and function (PolyPhen-2) suggests that this variant is likely to be disruptive. In summary, the available evidence is currently insufficient to determine the role of this variant in disease. Therefore, it has been classified as a Variant of Uncertain Significance.

NM_033004.4(NLRP1):c.308C>G (p.Pro103Arg)

Gene: NLRP1 (NLR family pyrin domain containing 1; minus strand). Cytogenetic location: 17p13.2.
Variant type: single nucleotide variant.
Coding change: c.308C>G on transcript NM_033004.4 (MANE Select); coding-DNA position 308, C replaced by G.
Protein change: p.Pro103Arg; replaces proline 103 with arginine.
Molecular consequence: missense variant.
Genome position (GRCh38, 1-based): chr17:5,582,810, G>C on the plus strand (C>G on the coding strand, the complement: NLRP1 is on the minus strand). VCF-style: chr17-5582810-G-C. GRCh37 (hg19) VCF-style: chr17-5486130-G-C.
Other names: c.308C>G, p.Pro103Arg (NM_001033053.3, NM_014922.5, NM_033006.4 and 1 more transcripts); short protein forms P103R.
Identifiers: ClinVar variation 4626216 (VCV004626216.2).